The following is an entry in ClinVar:

NM_000361.3(THBD):c.1091A>C (p.Glu364Ala)

Gene: THBD (thrombomodulin; minus strand). Cytogenetic location: 20p11.21.
Variant type: single nucleotide variant.
Coding change: c.1091A>C on transcript NM_000361.3 (MANE Select); coding-DNA position 1091, A replaced by C.
Protein change: p.Glu364Ala; replaces glutamic acid 364 with alanine.
Molecular consequence: missense variant.
Genome position (GRCh38, 1-based): chr20:23,048,414, T>G on the plus strand (A>C on the coding strand, the complement: THBD is on the minus strand). VCF-style: chr20-23048414-T-G. GRCh37 (hg19) VCF-style: chr20-23029051-T-G.
Other names: short protein forms E364A.
Identifiers: ClinVar variation 4280503 (VCV004280503.1).

ClinVar aggregate classification (germline): Uncertain significance (1 of 4 stars; one submission).

Conditions:
Thrombomodulin-related bleeding disorder (THPH12). Also called: Thrombophilia due to thrombomodulin defect. Identifiers: Orphanet 436169, MedGen C3280976, MONDO:0013775, OMIM 614486.

Submission:

Genomenon, Inc
Classification: Uncertain significance for Thrombomodulin-related bleeding disorder. Last evaluated: 2025-09-22. Review status: criteria provided, single submitter. Criteria: Genomenon Sequence Variant Interpretation Standards - Updated. Collection method: curation. Allele origin: germline. Affected: no.
Comment: THBD p.Glu364Ala (c.1091A>C) is a missense variant that changes the amino acid at residue 364 from Glutamic acid to Alanine. This variant has been reported in the published literature (PMID:10801821). It is absent or not present at a significant frequency in gnomAD. In conclusion, we classify THBD p.Glu364Ala (c.1091A>C) as a variant of unknown significance.

Literature cited by the submitters: PubMed 10801821.